The following is an entry in ClinVar:

NM_020297.4(ABCC9):c.2594C>T (p.Thr865Ile)

Gene: ABCC9 (ATP binding cassette subfamily C member 9; minus strand). Cytogenetic location: 12p12.1.
Variant type: single nucleotide variant.
Coding change: c.2594C>T on transcript NM_020297.4 (MANE Select); coding-DNA position 2594, C replaced by T.
Protein change: p.Thr865Ile; replaces threonine 865 with isoleucine.
Molecular consequence: missense variant.
Genome position (GRCh38, 1-based): chr12:21,852,417, G>A on the plus strand (C>T on the coding strand, the complement: ABCC9 is on the minus strand). VCF-style: chr12-21852417-G-A. GRCh37 (hg19) VCF-style: chr12-22005351-G-A.
Other names: c.2594C>T, p.Thr865Ile (NM_001377273.1, NM_005691.4); c.1727C>T, p.Thr576Ile (NM_001377274.1); short protein forms T865I, T576I.
Identifiers: ClinVar variation 3707844 (VCV003707844.2).

ClinVar aggregate classification (germline): Uncertain significance (1 of 4 stars; one submission).

Conditions:
Dilated cardiomyopathy 1O (CMD1O). Also called: CARDIOMYOPATHY, DILATED, WITH VENTRICULAR TACHYCARDIA. Identifiers: Orphanet 154, MedGen C1837839, MONDO:0012062, OMIM 608569.

Submission:

Labcorp Genetics (formerly Invitae), Labcorp
Classification: Uncertain significance for Dilated cardiomyopathy 1O. Last evaluated: 2024-06-13. Review status: criteria provided, single submitter. Criteria: Invitae Variant Classification Sherloc (09022015). Collection method: clinical testing. Allele origin: germline.
Comment: This sequence change replaces threonine, which is neutral and polar, with isoleucine, which is neutral and non-polar, at codon 865 of the ABCC9 protein (p.Thr865Ile). This variant is not present in population databases (gnomAD no frequency). This variant has not been reported in the literature in individuals affected with ABCC9-related conditions. Advanced modeling of protein sequence and biophysical properties (such as structural, functional, and spatial information, amino acid conservation, physicochemical variation, residue mobility, and thermodynamic stability) performed at Invitae indicates that this missense variant is expected to disrupt ABCC9 protein function with a positive predictive value of 95%. In summary, the available evidence is currently insufficient to determine the role of this variant in disease. Therefore, it has been classified as a Variant of Uncertain Significance.